The following is an entry in ClinVar:

ClinVar aggregate classification (germline): Likely benign (1 of 4 stars; one submission).

Allele frequency attached by ClinVar (database versions not stated): ExAC 0.00001; gnomAD exomes 0.00001 and 0.00002; TOPMed 0.00001; ESP Exome Variant Server 0.00008.
gnomAD v4.1: 30 of 1,582,242 alleles (0.0019%); highest among the groups gnomAD compares: Non-Finnish European, 0.0026%; no homozygotes.

Submission:

GeneDx
Classification: Likely benign. Last evaluated: 2017-06-20. Review status: criteria provided, single submitter. Criteria: GeneDx Variant Classification (06012015). Collection method: clinical testing. Allele origin: germline. Affected: yes.
Comment: This variant is considered likely benign or benign based on one or more of the following criteria: it is a conservative change, it occurs at a poorly conserved position in the protein, it is predicted to be benign by multiple in silico algorithms, and/or has population frequency not consistent with disease.

NM_152263.4(TPM3):c.-33G>A

Gene: TPM3 (tropomyosin 3; minus strand). Cytogenetic location: 1q21.3.
Variant type: single nucleotide variant.
Coding change: c.-33G>A on transcript NM_152263.4 (MANE Select); 33 bases upstream of the start codon, G replaced by A.
Molecular consequence: 5 prime UTR variant. On other transcripts: non-coding transcript variant (1).
Genome position (GRCh38, 1-based): chr1:154,192,051, C>T on the plus strand (G>A on the coding strand, the complement: TPM3 is on the minus strand). VCF-style: chr1-154192051-C-T. GRCh37 (hg19) VCF-style: chr1-154164527-C-T.
Other names: c.-33G>A (NM_001364679.2, NM_001364680.2, NM_001364681.2 and 1 more transcripts).
Identifiers: ClinVar variation 518087 (VCV000518087.1), dbSNP rs377531449, ClinGen allele CA1125844.